The following is an entry in ClinVar:

NM_001122955.4(BSCL2):c.823G>A (p.Gly275Arg)

Genes: BSCL2 (BSCL2 lipid droplet biogenesis associated, seipin; minus strand), HNRNPUL2-BSCL2 (HNRNPUL2-BSCL2 readthrough (NMD candidate); minus strand). Cytogenetic location: 11q12.3.
Variant type: single nucleotide variant.
Coding change: c.823G>A on transcript NM_001122955.4 (MANE Select); coding-DNA position 823, G replaced by A.
Protein change: p.Gly275Arg; replaces glycine 275 with arginine.
Molecular consequence: missense variant. On other transcripts: non-coding transcript variant (1).
Genome position (GRCh38, 1-based): chr11:62,692,416, C>T on the plus strand (G>A on the coding strand, the complement: BSCL2 is on the minus strand). VCF-style: chr11-62692416-C-T. GRCh37 (hg19) VCF-style: chr11-62459888-C-T.
Other names: c.631G>A, p.Gly211Arg (NM_001130702.2, NM_032667.6); c.823G>A, p.Gly275Arg (NM_001386027.1, NM_001386028.1); short protein forms G211R, G275R.
Identifiers: ClinVar variation 305178 (VCV000305178.20), dbSNP rs151018278, ClinGen allele CA6053444.

ClinVar aggregate classification (germline): Conflicting classifications of pathogenicity. Review status: criteria provided, conflicting classifications (1 of 4 stars). 6 submissions from 5 submitters: Uncertain significance (4); Likely benign (2). Last evaluated 2025-10-17.

Conditions:
Charcot-Marie-Tooth disease type 2. Also called: Charcot-Marie-Tooth type 2. Identifiers: Orphanet 64746, MedGen C0270914, MONDO:0018993.
Congenital generalized lipodystrophy type 2 (CGL2). Also called: BRUNZELL SYNDROME, BSCL2-RELATED; BERARDINELLI SYNDROME; Berardinelli-Seip Congenital Lipodystrophy Type 2; SEIP SYNDROME. Identifiers: Orphanet 528, Orphanet 696289, MedGen C1720863, MONDO:0010020, OMIM 269700.
Neuronopathy, distal hereditary motor, type 5A (HMND5). Also called: Distal Spinal Muscular Atrophy V; DHMN VA; Distal Spinal Muscular Atrophy V (dSMA-V); NEURONOPATHY, DISTAL HEREDITARY MOTOR, AUTOSOMAL DOMINANT 5. Identifiers: Orphanet 139536, MedGen CN031873, MONDO:0015353, OMIM 600794.
Inborn genetic diseases. Identifiers: MedGen C0950123, MeSH D030342.

Allele frequency attached by ClinVar (database versions not stated): ESP Exome Variant Server 0.00031; gnomAD 0.00036 and 0.00032; gnomAD exomes 0.00004 and 0.00003; ExAC 0.00007; 1000 Genomes Project 30x 0.00016; 1000 Genomes Project 0.00020; TOPMed 0.00035.
gnomAD v4.1: 88 of 1,614,160 alleles (0.0055%); highest among the groups gnomAD compares: African/African-American, 0.11%; no homozygotes.

Submissions (6):

Labcorp Genetics (formerly Invitae), Labcorp
Classification: Likely benign for Charcot-Marie-Tooth disease type 2. Last evaluated: 2025-10-17. Review status: criteria provided, single submitter. Criteria: Invitae Variant Classification Sherloc (09022015). Collection method: clinical testing. Allele origin: germline.

Ambry Genetics
Classification: Likely benign for Inborn genetic diseases. Last evaluated: 2021-09-21. Review status: criteria provided, single submitter. Criteria: Ambry Variant Classification Scheme 2023. Collection method: clinical testing. Allele origin: germline.

GeneDx
Classification: Uncertain significance. Last evaluated: 2019-07-24. Review status: criteria provided, single submitter. Criteria: GeneDx Variant Classification Process June 2021. Collection method: clinical testing. Allele origin: germline. Affected: yes.
Comment: In silico analysis, which includes protein predictors and evolutionary conservation, supports a deleterious effect; Has not been previously published as pathogenic or benign to our knowledge; This variant is associated with the following publications: (PMID: 32041611)

Athena Diagnostics
Classification: Uncertain significance. Last evaluated: 2019-05-15. Review status: criteria provided, single submitter. Criteria: Athena Diagnostics Criteria. Collection method: clinical testing. Allele origin: germline.

Illumina Laboratory Services, Illumina
Classification: Uncertain significance for Congenital generalized lipodystrophy type 2. Last evaluated: 2018-01-12. Review status: criteria provided, single submitter. Criteria: ICSL Variant Classification Criteria 13 December 2019. Collection method: clinical testing. Allele origin: germline.

Illumina Laboratory Services, Illumina
Classification: Uncertain significance for Neuronopathy, distal hereditary motor, type 5A. Last evaluated: 2018-01-12. Review status: criteria provided, single submitter. Criteria: ICSL Variant Classification Criteria 13 December 2019. Collection method: clinical testing. Allele origin: germline.